The following is an entry in ClinVar:

ClinVar aggregate classification (germline): Uncertain significance (1 of 4 stars; one submission).

Conditions:
Hereditary spastic paraplegia 73. Also called: Spastic paraplegia 73, autosomal dominant. Identifiers: Orphanet 444099, MedGen C5568981, MONDO:0014568, OMIM 616282.

Allele frequency attached by ClinVar (database versions not stated): gnomAD 0.00001; ExAC 0.00001.
gnomAD v4.1: 1 of 1,600,522 alleles (0.000062%); highest among the groups gnomAD compares: Non-Finnish European, 0.000085%; no homozygotes.

Submission:

Labcorp Genetics (formerly Invitae), Labcorp
Classification: Uncertain significance for Hereditary spastic paraplegia 73. Last evaluated: 2025-02-17. Review status: criteria provided, single submitter. Criteria: Invitae Variant Classification Sherloc (09022015). Collection method: clinical testing. Allele origin: germline.
Comment: This sequence change replaces serine, which is neutral and polar, with alanine, which is neutral and non-polar, at codon 229 of the CPT1C protein (p.Ser229Ala). The frequency data for this variant in the population databases is considered unreliable, as metrics indicate poor data quality at this position in the gnomAD database. This variant has not been reported in the literature in individuals affected with CPT1C-related conditions. ClinVar contains an entry for this variant (Variation ID: 2990264). Invitae Evidence Modeling of protein sequence and biophysical properties (such as structural, functional, and spatial information, amino acid conservation, physicochemical variation, residue mobility, and thermodynamic stability) indicates that this missense variant is not expected to disrupt CPT1C protein function with a negative predictive value of 80%. In summary, the available evidence is currently insufficient to determine the role of this variant in disease. Therefore, it has been classified as a Variant of Uncertain Significance.

NM_001199753.2(CPT1C):c.685T>G (p.Ser229Ala)

Gene: CPT1C (carnitine palmitoyltransferase 1C; plus strand). Cytogenetic location: 19q13.33.
Variant type: single nucleotide variant.
Coding change: c.685T>G on transcript NM_001199753.2 (MANE Select); coding-DNA position 685, T replaced by G.
Protein change: p.Ser229Ala; replaces serine 229 with alanine.
Molecular consequence: missense variant. On other transcripts: non-coding transcript variant (1).
Genome position (GRCh38, 1-based): chr19:49,701,626, T>G. VCF-style: chr19-49701626-T-G. GRCh37 (hg19) VCF-style: chr19-50204883-T-G.
Other names: c.685T>G, p.Ser229Ala (NM_001136052.3, NM_001199752.3, NM_001378482.1 and 7 more transcripts); short protein forms S229A.
Identifiers: ClinVar variation 2990264 (VCV002990264.3), dbSNP rs771457409, ClinGen allele CA9581887.
Genomic context (GRCh38, chr19:49,701,626, plus strand): 5'-TTCCTGAGGCTGCAGGCGTCGCTGCTGCAGTGGTACCTGCGGCTCAAGTCCTGGTGGGCG[T>G]CCAATTATGTGAGTCCCGCCACCGCCACCAACGCCCCACCTGAAGGGCTAAGGTTGTGAG-3'
Protein context (NP_001186682.1, residues 219-239): WYLRLKSWWA[Ser229Ala]NYVSDWWEEF